The following is an entry in ClinVar:

NM_002439.5(MSH3):c.358+1G>C

Gene: MSH3 (mutS homolog 3; plus strand). Cytogenetic location: 5q14.1.
Variant type: single nucleotide variant.
Coding change: c.358+1G>C on transcript NM_002439.5 (MANE Select); the canonical splice donor site of the intron after coding-DNA position 358, G replaced by C.
Molecular consequence: splice donor variant.
Genome position (GRCh38, 1-based): chr5:80,656,532, G>C. VCF-style: chr5-80656532-G-C. GRCh37 (hg19) VCF-style: chr5-79952351-G-C.
Identifiers: ClinVar variation 2701413 (VCV002701413.3), dbSNP rs2112801912, ClinGen allele CA360266637.

ClinVar aggregate classification (germline): Likely pathogenic (1 of 4 stars; one submission).

Submission:

Labcorp Genetics (formerly Invitae), Labcorp
Classification: Likely pathogenic. Last evaluated: 2023-05-24. Review status: criteria provided, single submitter. Criteria: Invitae Variant Classification Sherloc (09022015). Collection method: clinical testing. Allele origin: germline.
Comment: This sequence change affects a donor splice site in intron 2 of the MSH3 gene. It is expected to disrupt RNA splicing. Variants that disrupt the donor or acceptor splice site typically lead to a loss of protein function (PMID: 16199547), and loss-of-function variants in MSH3 are known to be pathogenic (PMID: 27476653). This variant is not present in population databases (gnomAD no frequency). This variant has not been reported in the literature in individuals affected with MSH3-related conditions. Algorithms developed to predict the effect of sequence changes on RNA splicing suggest that this variant may disrupt the consensus splice site. In summary, the currently available evidence indicates that the variant is pathogenic, but additional data are needed to prove that conclusively. Therefore, this variant has been classified as Likely Pathogenic.

Literature cited by the submitters: PubMed 16199547; PubMed 27476653.